The following is an entry in ClinVar:

ClinVar aggregate classification (germline): Uncertain significance. Review status: criteria provided, multiple submitters, no conflicts (2 of 4 stars). 3 submissions from 3 submitters: Uncertain significance (3). Last evaluated 2023-10-03.

Conditions:
Inborn genetic diseases. Identifiers: MedGen C0950123, MeSH D030342.

Allele frequency attached by ClinVar (database versions not stated): gnomAD 0.00004; TOPMed 0.00006; ESP Exome Variant Server 0.00008; gnomAD exomes 0.00009 and 0.00010; ExAC 0.00013.

Submissions (3):

Labcorp Genetics (formerly Invitae), Labcorp
Classification: Uncertain significance. Last evaluated: 2023-10-03. Review status: criteria provided, single submitter. Criteria: Invitae Variant Classification Sherloc (09022015). Collection method: clinical testing. Allele origin: germline.
Comment: This sequence change replaces arginine, which is basic and polar, with cysteine, which is neutral and slightly polar, at codon 482 of the MMP2 protein (p.Arg482Cys). This variant is present in population databases (rs151265434, gnomAD 0.01%). This variant has not been reported in the literature in individuals affected with MMP2-related conditions. ClinVar contains an entry for this variant (Variation ID: 283355). Advanced modeling of protein sequence and biophysical properties (such as structural, functional, and spatial information, amino acid conservation, physicochemical variation, residue mobility, and thermodynamic stability) performed at Invitae indicates that this missense variant is not expected to disrupt MMP2 protein function. In summary, the available evidence is currently insufficient to determine the role of this variant in disease. Therefore, it has been classified as a Variant of Uncertain Significance.

Ambry Genetics
Classification: Uncertain significance for Inborn genetic diseases. Last evaluated: 2021-08-11. Review status: criteria provided, single submitter. Criteria: Ambry Variant Classification Scheme 2023. Collection method: clinical testing. Allele origin: germline.

Eurofins Ntd Llc (ga)
Classification: Uncertain significance. Last evaluated: 2015-09-16. Review status: criteria provided, single submitter. Criteria: EGL Classification Definitions 2015. Collection method: clinical testing. Allele origin: germline. Observed: 1 variant allele, 1 heterozygote.

NM_004530.6(MMP2):c.1444C>T (p.Arg482Cys)

Gene: MMP2 (matrix metallopeptidase 2; plus strand). Cytogenetic location: 16q12.2.
Variant type: single nucleotide variant.
Coding change: c.1444C>T on transcript NM_004530.6 (MANE Select); coding-DNA position 1444, C replaced by T.
Protein change: p.Arg482Cys; replaces arginine 482 with cysteine.
Molecular consequence: missense variant.
Genome position (GRCh38, 1-based): chr16:55,493,265, C>T. VCF-style: chr16-55493265-C-T. GRCh37 (hg19) VCF-style: chr16-55527177-C-T.
Other names: c.1294C>T, p.Arg432Cys (NM_001127891.3); c.1216C>T, p.Arg406Cys (NM_001302508.1, NM_001302509.2, NM_001302510.2); c.1444C>T (NM_004530.4); short protein forms R482C, R432C, R406C.
Identifiers: ClinVar variation 283355 (VCV000283355.12), dbSNP rs151265434, ClinGen allele CA8060436.